The following is an entry in ClinVar:

NM_001291303.3(FAT4):c.6174C>T (p.Tyr2058=)

Gene: FAT4 (FAT atypical cadherin 4; plus strand). Cytogenetic location: 4q28.1.
Variant type: single nucleotide variant.
Coding change: c.6174C>T on transcript NM_001291303.3 (MANE Select); coding-DNA position 6174, C replaced by T.
Protein change: p.Tyr2058=; no amino-acid change (tyrosine 2058 retained).
Molecular consequence: synonymous variant.
Genome position (GRCh38, 1-based): chr4:125,415,137, C>T. VCF-style: chr4-125415137-C-T. GRCh37 (hg19) VCF-style: chr4-126336292-C-T.
Other names: c.6174C>T, p.Tyr2058= (NM_001291285.3, NM_024582.6).
Identifiers: ClinVar variation 2655081 (VCV002655081.24), dbSNP rs756809322, ClinGen allele CA3072879.

ClinVar aggregate classification (germline): Likely benign (1 of 4 stars; one submission).

Allele frequency attached by ClinVar (database versions not stated): TOPMed below 0.00001; gnomAD exomes 0.00001; ExAC 0.00002.
gnomAD v4.1: 6 of 1,614,018 alleles (0.00037%); highest among the groups gnomAD compares: Non-Finnish European, 0.00051%; no homozygotes.

Submission:

CeGaT Center for Human Genetics Tuebingen
Classification: Likely benign. Last evaluated: 2022-12-01. Review status: criteria provided, single submitter. Criteria: CeGaT Center For Human Genetics Tuebingen Variant Classification Criteria Version 2. Collection method: clinical testing. Allele origin: germline. Affected: yes. Observed: 1 variant allele.
Comment: FAT4: BP4, BP7